The following is an entry in ClinVar:

ClinVar aggregate classification (germline): Uncertain significance (1 of 4 stars; one submission).

Submission:

Women's Health and Genetics/Laboratory Corporation of America, LabCorp
Classification: Uncertain significance. Last evaluated: 2023-02-25. Review status: criteria provided, single submitter. Criteria: LabCorp Variant Classification Summary - May 2015. Collection method: clinical testing. Allele origin: germline.
Comment: Variant summary: PHF8 c.1879A>G (p.Lys627Glu) results in a conservative amino acid change in the encoded protein sequence. Four of five in-silico tools predict a benign effect of the variant on protein function. The variant was absent in 174546 control chromosomes (gnomAD). The available data on variant occurrences in the general population are insufficient to allow any conclusion about variant significance. To our knowledge, no occurrence of c.1879A>G in individuals affected with X-Linked Intellectual Disability Syndrome, Siderius Type and no experimental evidence demonstrating its impact on protein function have been reported. No clinical diagnostic laboratories have submitted clinical-significance assessments for this variant to ClinVar after 2014. Based on the evidence outlined above, the variant was classified as uncertain significance.

NM_015107.3(PHF8):c.1879A>G (p.Lys627Glu)

Gene: PHF8 (PHD finger protein 8; minus strand). Cytogenetic location: Xp11.22.
Variant type: single nucleotide variant.
Coding change: c.1879A>G on transcript NM_015107.3 (MANE Select); coding-DNA position 1879, A replaced by G.
Protein change: p.Lys627Glu; replaces lysine 627 with glutamic acid.
Molecular consequence: missense variant.
Genome position (GRCh38, 1-based): chrX:53,987,796, T>C on the plus strand (A>G on the coding strand, the complement: PHF8 is on the minus strand). VCF-style: chrX-53987796-T-C. GRCh37 (hg19) VCF-style: chrX-54014229-T-C.
Other names: c.1987A>G, p.Lys663Glu (NM_001184896.1); c.1576A>G, p.Lys526Glu (NM_001184897.2); c.1879A>G, p.Lys627Glu (NM_001184898.2); c.1879A>G (NM_015107.2); short protein forms K526E, K627E, K663E.
Identifiers: ClinVar variation 2445972 (VCV002445972.1), dbSNP rs2519533201, ClinGen allele CA413256001.
Genomic context (GRCh38, chrX:53,987,796, plus strand): 5'-GGGGAGGAAAAAGAAAGAACAGACACACACTTGGTCTTATTATCAGGGTCGCCTTCTCCT[T>C]TCCCAATCTCTCGTCAATCTGCAGCTCATCATCTGAATCCAAGTCAAATTCGTCTTCCAT-3'
Protein context (NP_055922.1, residues 617-637): DELQIDERLG[Lys627Glu]EKATLIIRPK